The following is an entry in ClinVar:

NM_080473.5(GATA5):c.581C>T (p.Ala194Val)

Gene: GATA5 (GATA binding protein 5; minus strand). Cytogenetic location: 20q13.33.
Variant type: single nucleotide variant.
Coding change: c.581C>T on transcript NM_080473.5 (MANE Select); coding-DNA position 581, C replaced by T.
Protein change: p.Ala194Val; replaces alanine 194 with valine.
Molecular consequence: missense variant.
Genome position (GRCh38, 1-based): chr20:62,473,521, G>A on the plus strand (C>T on the coding strand, the complement: GATA5 is on the minus strand). VCF-style: chr20-62473521-G-A. GRCh37 (hg19) VCF-style: chr20-61048577-G-A.
Other names: short protein forms A194V.
Identifiers: ClinVar variation 2986751 (VCV002986751.3), dbSNP rs1555896786, ClinGen allele CA409555278.

ClinVar aggregate classification (germline): Uncertain significance (1 of 4 stars; one submission).

Submission:

Labcorp Genetics (formerly Invitae), Labcorp
Classification: Uncertain significance. Last evaluated: 2023-06-22. Review status: criteria provided, single submitter. Criteria: Invitae Variant Classification Sherloc (09022015). Collection method: clinical testing. Allele origin: germline.
Comment: This sequence change replaces alanine, which is neutral and non-polar, with valine, which is neutral and non-polar, at codon 194 of the GATA5 protein (p.Ala194Val). In summary, the available evidence is currently insufficient to determine the role of this variant in disease. Therefore, it has been classified as a Variant of Uncertain Significance. Advanced modeling of protein sequence and biophysical properties (such as structural, functional, and spatial information, amino acid conservation, physicochemical variation, residue mobility, and thermodynamic stability) performed at Invitae indicates that this missense variant is expected to disrupt GATA5 protein function. This variant has not been reported in the literature in individuals affected with GATA5-related conditions. This variant is not present in population databases (gnomAD no frequency).